The following is an entry in ClinVar:

ClinVar aggregate classification (germline): Likely benign (1 of 4 stars; one submission).

Conditions:
HMGN1-related condition.

gnomAD v4.1: 253 of 1,613,704 alleles (0.016%); highest among the groups gnomAD compares: South Asian, 0.26%; 2 homozygotes.

Submission:

PreventionGenetics, part of Exact Sciences
Classification: Likely benign for HMGN1-related condition. Last evaluated: 2026-02-16. Review status: criteria provided, single submitter. Criteria: ACMG Guidelines, 2015. Collection method: clinical testing. Allele origin: germline.
Comment: This variant is classified as likely benign based on ACMG/AMP sequence variant interpretation guidelines (Richards et al. 2015 PMID: 25741868, with internal and published modifications).

NM_004965.7(HMGN1):c.187G>A (p.Ala63Thr)

Gene: HMGN1 (high mobility group nucleosome binding domain 1; minus strand). Cytogenetic location: 21q22.2.
Variant type: single nucleotide variant.
Coding change: c.187G>A on transcript NM_004965.7 (MANE Select); coding-DNA position 187, G replaced by A.
Protein change: p.Ala63Thr; replaces alanine 63 with threonine.
Molecular consequence: missense variant.
Genome position (GRCh38, 1-based): chr21:39,345,214, C>T on the plus strand (G>A on the coding strand, the complement: HMGN1 is on the minus strand). VCF-style: chr21-39345214-C-T. GRCh37 (hg19) VCF-style: chr21-40717140-C-T.
Other names: short protein forms A63T.
Identifiers: ClinVar variation 4977819 (VCV004977819.1).